The following is an entry in ClinVar:

ClinVar aggregate classification (germline): Uncertain significance (1 of 4 stars; one submission).

Submission:

Labcorp Genetics (formerly Invitae), Labcorp
Classification: Uncertain significance. Last evaluated: 2023-01-03. Review status: criteria provided, single submitter. Criteria: Invitae Variant Classification Sherloc (09022015). Collection method: clinical testing. Allele origin: germline.
Comment: This sequence change replaces alanine, which is neutral and non-polar, with serine, which is neutral and polar, at codon 234 of the SUCO protein (p.Ala234Ser). This variant is not present in population databases (gnomAD no frequency). This variant has not been reported in the literature in individuals affected with SUCO-related conditions. Algorithms developed to predict the effect of missense changes on protein structure and function output the following: SIFT: "Tolerated"; PolyPhen-2: "Benign"; Align-GVGD: "Class C0". The serine amino acid residue is found in multiple mammalian species, which suggests that this missense change does not adversely affect protein function. In summary, the available evidence is currently insufficient to determine the role of this variant in disease. Therefore, it has been classified as a Variant of Uncertain Significance.

NM_014283.5(SUCO):c.700G>T (p.Ala234Ser)

Gene: SUCO (SUN domain containing ossification factor; plus strand). Cytogenetic location: 1q24.3.
Variant type: single nucleotide variant.
Coding change: c.700G>T on transcript NM_014283.5 (MANE Select); coding-DNA position 700, G replaced by T.
Protein change: p.Ala234Ser; replaces alanine 234 with serine.
Molecular consequence: missense variant. On other transcripts: 5 prime UTR variant (1).
Genome position (GRCh38, 1-based): chr1:172,557,762, G>T. VCF-style: chr1-172557762-G-T. GRCh37 (hg19) VCF-style: chr1-172526902-G-T.
Other names: c.589G>T, p.Ala197Ser (NM_001282750.2); c.-830G>T (NM_001282751.2); c.1174G>T, p.Ala392Ser (NM_016227.4); short protein forms A197S, A392S, A234S.
Identifiers: ClinVar variation 2826125 (VCV002826125.3), dbSNP rs2527283374, ClinGen allele CA343735635.